The following is an entry in ClinVar:

NC_000005.10:g.112850830C>A

Variant type: single nucleotide variant.
Genome position: GRCh38 VCF-style: chr5-112850830-C-A. GRCh37 (hg19) VCF-style: chr5-112186527-C-A.
Identifiers: ClinVar variation 82665 (VCV000082665.3), dbSNP rs78075831, ClinGen allele CA250805.

ClinVar aggregate classification (germline): other (0 of 4 stars; one submission).

Conditions:
Familial colorectal cancer. Identifiers: MedGen CN280943, MONDO:0023113. Disease mechanism: loss of function.

Submission:

Systems Biology Platform Zhejiang California International NanoSystems Institute
Classification: other for Familial colorectal cancer. Review status: no assertion criteria provided. Collection method: not provided. Allele origin: unknown.
ClinVar note: Converted during submission from cancer to other.